The following is an entry in ClinVar:

NM_012062.5(DNM1L):c.1470A>G (p.Glu490=)

Gene: DNM1L (dynamin 1L; plus strand). Cytogenetic location: 12p11.21.
Variant type: single nucleotide variant.
Coding change: c.1470A>G on transcript NM_012062.5 (MANE Select); coding-DNA position 1470, A replaced by G.
Protein change: p.Glu490=; no amino-acid change (glutamic acid 490 retained).
Molecular consequence: synonymous variant.
Genome position (GRCh38, 1-based): chr12:32,733,738, A>G. VCF-style: chr12-32733738-A-G. GRCh37 (hg19) VCF-style: chr12-32886672-A-G.
Other names: p.E490E:GAA>GAG; c.1470A>G, p.Glu490= (NM_001278463.2, NM_005690.5, NM_012063.4); c.1509A>G, p.Glu503= (NM_001278464.2, NM_001278465.2, NM_001330380.2); c.861A>G, p.Glu287= (NM_001278466.2).
Identifiers: ClinVar variation 137127 (VCV000137127.81), dbSNP rs79393011, ClinGen allele CA290650.

ClinVar aggregate classification (germline): Benign. Review status: criteria provided, multiple submitters, no conflicts (2 of 4 stars). 7 submissions from 7 submitters: Benign (6). 1 of the submissions does not count toward it. Last evaluated 2026-09-01.

Allele frequency attached by ClinVar (database versions not stated): 1000 Genomes Project 30x 0.00531; 1000 Genomes Project 0.00539; ExAC 0.00774; ESP Exome Variant Server 0.00777; gnomAD exomes 0.00779 and 0.01041; gnomAD 0.00799 and 0.00828; TOPMed 0.00812.
gnomAD v4.1: 16,493 of 1,613,920 alleles (1%); highest among the groups gnomAD compares: Non-Finnish European, 1.2%; 90 homozygotes.

Submissions (7):

CeGaT Center for Human Genetics Tuebingen
Classification: Benign. Last evaluated: 2026-09-01. Review status: criteria provided, single submitter. Criteria: CeGaT Center For Human Genetics Tuebingen Variant Classification Criteria Version 2. Collection method: clinical testing. Allele origin: germline. Affected: yes. Observed: 52 variant alleles.
Comment: DNM1L: BP4, BP7, BS1, BS2

Labcorp Genetics (formerly Invitae), Labcorp
Classification: Benign. Last evaluated: 2026-02-03. Review status: criteria provided, single submitter. Criteria: Invitae Variant Classification Sherloc (09022015). Collection method: clinical testing. Allele origin: germline.

ARUP Laboratories, Molecular Genetics and Genomics, ARUP Laboratories
Classification: Benign. Last evaluated: 2025-03-04. Review status: criteria provided, single submitter. Criteria: ARUP Molecular Germline Variant Investigation Process 2024. Collection method: clinical testing. Allele origin: germline.

GeneDx
Classification: Benign. Last evaluated: 2013-12-17. Review status: criteria provided, single submitter. Criteria: GeneDx Variant Classification (06012015). Collection method: clinical testing. Allele origin: germline. Affected: yes.
Comment: This variant is considered likely benign or benign based on one or more of the following criteria: it is a conservative change, it occurs at a poorly conserved position in the protein, it is predicted to be benign by multiple in silico algorithms, and/or has population frequency not consistent with disease.

Breakthrough Genomics
Classification: Benign. Review status: criteria provided, single submitter. Criteria: ACMG Guidelines, 2015. Collection method: not provided. Allele origin: germline. Inheritance: Autosomal recessive inheritance. Affected: yes.

PreventionGenetics, part of Exact Sciences
Classification: Benign. Review status: criteria provided, single submitter. Criteria: ACMG Guidelines, 2015. Collection method: clinical testing. Allele origin: germline.

Mayo Clinic Laboratories, Mayo Clinic
Classification: Benign. Last evaluated: 2017-08-07. Review status: no assertion criteria provided. Collection method: clinical testing. Allele origin: unknown. Not counted in ClinVar's aggregate classification.